The following is an entry in ClinVar:

ClinVar aggregate classification (germline): Uncertain significance (1 of 4 stars; one submission).

Conditions:
Glycine encephalopathy. Also called: Non-ketotic hyperglycinemia; Nonketotic hyperglycinemia. Identifiers: Orphanet 407, MedGen C0751748, MONDO:0011612, HP:0008288.

Allele frequency attached by ClinVar (database versions not stated): TOPMed below 0.00001; gnomAD 0.00001.
gnomAD v4.1: 1 of 1,613,052 alleles (0.000062%); highest among the groups gnomAD compares: Non-Finnish European, 0.000085%; no homozygotes.

Submission:

Labcorp Genetics (formerly Invitae), Labcorp
Classification: Uncertain significance for Glycine encephalopathy. Last evaluated: 2022-09-02. Review status: criteria provided, single submitter. Criteria: Invitae Variant Classification Sherloc (09022015). Collection method: clinical testing. Allele origin: germline.
Comment: This sequence change replaces glutamine, which is neutral and polar, with histidine, which is basic and polar, at codon 614 of the GLDC protein (p.Gln614His). This variant is not present in population databases (gnomAD no frequency). This variant has not been reported in the literature in individuals affected with GLDC-related conditions. Advanced modeling of protein sequence and biophysical properties (such as structural, functional, and spatial information, amino acid conservation, physicochemical variation, residue mobility, and thermodynamic stability) performed at Invitae indicates that this missense variant is expected to disrupt GLDC protein function. In summary, the available evidence is currently insufficient to determine the role of this variant in disease. Therefore, it has been classified as a Variant of Uncertain Significance.

NM_000170.3(GLDC):c.1842G>T (p.Gln614His)

Gene: GLDC (glycine decarboxylase; minus strand). Cytogenetic location: 9p24.1.
Variant type: single nucleotide variant.
Coding change: c.1842G>T on transcript NM_000170.3 (MANE Select); coding-DNA position 1842, G replaced by T.
Protein change: p.Gln614His; replaces glutamine 614 with histidine.
Molecular consequence: missense variant.
Genome position (GRCh38, 1-based): chr9:6,587,149, C>A on the plus strand (G>T on the coding strand, the complement: GLDC is on the minus strand). VCF-style: chr9-6587149-C-A. GRCh37 (hg19) VCF-style: chr9-6587149-C-A.
Other names: short protein forms Q614H.
Identifiers: ClinVar variation 1722298 (VCV001722298.3), dbSNP rs1818287682, ClinGen allele CA372891131.